The following is an entry in ClinVar:

NM_001354712.2(THRB):c.1377C>G (p.Phe459Leu)

Gene: THRB (thyroid hormone receptor beta; minus strand). Cytogenetic location: 3p24.2.
Variant type: single nucleotide variant.
Coding change: c.1377C>G on transcript NM_001354712.2 (MANE Select); coding-DNA position 1377, C replaced by G.
Protein change: p.Phe459Leu; replaces phenylalanine 459 with leucine.
Molecular consequence: missense variant.
Genome position (GRCh38, 1-based): chr3:24,122,893, G>C on the plus strand (C>G on the coding strand, the complement: THRB is on the minus strand). VCF-style: chr3-24122893-G-C. GRCh37 (hg19) VCF-style: chr3-24164384-G-C.
Other names: c.1377C>G, p.Phe459Leu (NM_000461.5, NM_001128176.3, NM_001128177.2 and 11 more transcripts); c.1284C>G, p.Phe428Leu (NM_001354714.2, NM_001354715.2); c.1206C>G, p.Phe402Leu (NM_001374827.1); short protein forms F402L, F428L, F459L.
Identifiers: ClinVar variation 3340413 (VCV003340413.1).

ClinVar aggregate classification (germline): Likely pathogenic (1 of 4 stars; one submission).

Submission:

GeneDx
Classification: Likely pathogenic. Last evaluated: 2024-01-30. Review status: criteria provided, single submitter. Criteria: GeneDx Variant Classification Process June 2021. Collection method: clinical testing. Allele origin: germline. Affected: yes.
Comment: Identified in individuals from cohorts of patients with resistance to thyroid hormone, however, specific clinical and familial segregation information were not provided in these studies (PMID: 24722129, 20237409); Not observed at significant frequency in large population cohorts (gnomAD); In silico analysis supports that this missense variant does not alter protein structure/function; This variant is associated with the following publications: (PMID: 24722129, 20237409, 1400869, 8155649)